The following is an entry in ClinVar:

NM_005502.4(ABCA1):c.*1260C>G

Genes: ABCA1 (ATP binding cassette subfamily A member 1; minus strand), NIPSNAP3B (nipsnap homolog 3B; plus strand). Cytogenetic location: 9q31.1.
Variant type: single nucleotide variant.
Coding change: c.*1260C>G on transcript NM_005502.4 (MANE Select); 1260 bases downstream of the stop codon, C replaced by G.
Molecular consequence: 3 prime UTR variant.
Genome position (GRCh38, 1-based): chr9:104,783,055, G>C on the plus strand (C>G on the coding strand, the complement: ABCA1 is on the minus strand). VCF-style: chr9-104783055-G-C. GRCh37 (hg19) VCF-style: chr9-107545336-G-C.
Identifiers: ClinVar variation 364356 (VCV000364356.5), dbSNP rs148609447, ClinGen allele CA10626134.

ClinVar aggregate classification (germline): Conflicting classifications of pathogenicity. Review status: criteria provided, conflicting classifications (1 of 4 stars). 2 submissions from 1 submitter: Uncertain significance (1); Benign (1). Last evaluated 2018-01-13.

Conditions:
Hypoalphalipoproteinemia, primary, 1. Identifiers: Orphanet 425, MedGen C5231558, MONDO:0011393, OMIM 604091.
Tangier disease (TGD). Also called: HIGH DENSITY LIPOPROTEIN DEFICIENCY, TANGIER TYPE; HIGH DENSITY LIPOPROTEIN DEFICIENCY, TYPE 1; Cholesterol thesaurismosis. Identifiers: Orphanet 31150, MedGen C0039292, MONDO:0008783, OMIM 205400.

Allele frequency attached by ClinVar (database versions not stated): TOPMed 0.00005; 1000 Genomes Project 30x 0.00031; 1000 Genomes Project 0.00040.
gnomAD v4.1: 18 of 152,682 alleles (0.012%); highest among the groups gnomAD compares: East Asian, 0.33%; no homozygotes.

Submissions (2):

Illumina Laboratory Services, Illumina
Classification: Benign for Hypoalphalipoproteinemia, primary, 1. Last evaluated: 2018-01-13. Review status: criteria provided, single submitter. Criteria: ICSL Variant Classification Criteria 13 December 2019. Collection method: clinical testing. Allele origin: germline.
Comment: This variant was observed in the ICSL laboratory as part of a predisposition screen in an ostensibly healthy population. It had not been previously curated by ICSL or reported in the Human Gene Mutation Database (HGMD: prior to June 1st, 2018), and was therefore a candidate for classification through an automated scoring system. Utilizing variant allele frequency, disease prevalence and penetrance estimates, and inheritance mode, an automated score was calculated to assess if this variant is too frequent to cause the disease. Based on the score and internal cut-off values, a variant classified as benign is not then subjected to further curation. The score for this variant resulted in a classification of benign for this disease.

Illumina Laboratory Services, Illumina
Classification: Uncertain significance for Tangier disease. Last evaluated: 2018-01-13. Review status: criteria provided, single submitter. Criteria: ICSL Variant Classification Criteria 13 December 2019. Collection method: clinical testing. Allele origin: germline.